The following is an entry in ClinVar:

NM_004320.6(ATP2A1):c.2959G>C (p.Val987Leu)

Gene: ATP2A1 (ATPase sarcoplasmic/endoplasmic reticulum Ca2+ transporting 1; plus strand). Cytogenetic location: 16p11.2.
Variant type: single nucleotide variant.
Coding change: c.2959G>C on transcript NM_004320.6 (MANE Select); coding-DNA position 2959, G replaced by C.
Protein change: p.Val987Leu; replaces valine 987 with leucine.
Molecular consequence: missense variant.
Genome position (GRCh38, 1-based): chr16:28,903,419, G>C. VCF-style: chr16-28903419-G-C. GRCh37 (hg19) VCF-style: chr16-28914740-G-C.
Other names: c.2959G>C, p.Val987Leu (NM_173201.5); c.2584G>C, p.Val862Leu (NM_001286075.2); c.2959G>C (NM_173201.4); short protein forms V862L, V987L.
Identifiers: ClinVar variation 888236 (VCV000888236.7), dbSNP rs200445830, ClinGen allele CA7987457.

ClinVar aggregate classification (germline): Uncertain significance. Review status: criteria provided, multiple submitters, no conflicts (2 of 4 stars). 3 submissions from 3 submitters: Uncertain significance (3). Last evaluated 2023-03-01.

Conditions:
Brody myopathy. Also called: BRODY DISEASE. Identifiers: Orphanet 53347, MedGen C1832918, MONDO:0010977, OMIM 601003.

Allele frequency attached by ClinVar (database versions not stated): TOPMed 0.00007; 1000 Genomes Project 30x 0.00016; 1000 Genomes Project 0.00020.
gnomAD v4.1: 31 of 1,613,806 alleles (0.0019%); highest among the groups gnomAD compares: East Asian, 0.062%; no homozygotes.

Submissions (3):

Revvity Omics, Revvity
Classification: Uncertain significance for Brody myopathy. Last evaluated: 2023-03-01. Review status: criteria provided, single submitter. Criteria: ACMG Guidelines, 2015. Collection method: clinical testing. Allele origin: germline.

Labcorp Genetics (formerly Invitae), Labcorp
Classification: Uncertain significance for Brody myopathy. Last evaluated: 2022-03-29. Review status: criteria provided, single submitter. Criteria: Invitae Variant Classification Sherloc (09022015). Collection method: clinical testing. Allele origin: germline.
Comment: This sequence change replaces valine, which is neutral and non-polar, with leucine, which is neutral and non-polar, at codon 987 of the ATP2A1 protein (p.Val987Leu). This variant is present in population databases (rs200445830, gnomAD 0.05%). This variant has not been reported in the literature in individuals affected with ATP2A1-related conditions. ClinVar contains an entry for this variant (Variation ID: 888236). Algorithms developed to predict the effect of missense changes on protein structure and function (SIFT, PolyPhen-2, Align-GVGD) all suggest that this variant is likely to be tolerated. In summary, the available evidence is currently insufficient to determine the role of this variant in disease. Therefore, it has been classified as a Variant of Uncertain Significance.

Illumina Laboratory Services, Illumina
Classification: Uncertain significance for Brody myopathy. Last evaluated: 2018-01-12. Review status: criteria provided, single submitter. Criteria: ICSL Variant Classification Criteria 13 December 2019. Collection method: clinical testing. Allele origin: germline.